The following is an entry in ClinVar:

NM_002834.5(PTPN11):c.*1374G>C

Gene: PTPN11 (protein tyrosine phosphatase non-receptor type 11; plus strand). Cytogenetic location: 12q24.13.
Variant type: single nucleotide variant.
Coding change: c.*1374G>C on transcript NM_002834.5 (MANE Select); 1374 bases downstream of the stop codon, G replaced by C.
Molecular consequence: 3 prime UTR variant.
Genome position (GRCh38, 1-based): chr12:112,507,166, G>C. VCF-style: chr12-112507166-G-C. GRCh37 (hg19) VCF-style: chr12-112944970-G-C.
Other names: c.*1374G>C (NM_001330437.2, NM_001374625.1).
Identifiers: ClinVar variation 307244 (VCV000307244.5), dbSNP rs139266170, ClinGen allele CA10640262.

ClinVar aggregate classification (germline): Benign. Review status: criteria provided, single submitter (1 of 4 stars). 3 submissions from 1 submitter: Benign (3). Last evaluated 2018-01-12.

Conditions:
Metachondromatosis (METCDS). Identifiers: Orphanet 2499, MedGen C0410530, MONDO:0007979, OMIM 156250.
LEOPARD syndrome 1 (LPRD1). Also called: LENTIGINOSIS, CARDIOMYOPATHIC; MULTIPLE LENTIGINES SYNDROME; PTPN11-Related LEOPARD Syndrome. Identifiers: Orphanet 500, MedGen C4551484, MONDO:0100082, OMIM 151100.
Noonan syndrome 1 (NS1). Also called: TURNER PHENOTYPE WITH NORMAL KARYOTYPE; PTPN11-Related Noonan Syndrome; FEMALE PSEUDO-TURNER SYNDROME. Identifiers: Orphanet 648, MedGen C4551602, MONDO:0008104, OMIM 163950. Disease mechanism: gain of function.

Allele frequency attached by ClinVar (database versions not stated): gnomAD exomes 0.00172; gnomAD 0.00787 and 0.00836; TOPMed 0.00847; 1000 Genomes Project 0.01198; 1000 Genomes Project 30x 0.01265.
gnomAD v4.1: 1,186 of 152,910 alleles (0.78%); highest among the groups gnomAD compares: African/African-American, 2.6%; 15 homozygotes.

Submissions (3):

Illumina Laboratory Services, Illumina
Classification: Benign for Metachondromatosis. Last evaluated: 2018-01-12. Review status: criteria provided, single submitter. Criteria: ICSL Variant Classification Criteria 13 December 2019. Collection method: clinical testing. Allele origin: germline.
Comment: This variant was observed in the ICSL laboratory as part of a predisposition screen in an ostensibly healthy population. It had not been previously curated by ICSL or reported in the Human Gene Mutation Database (HGMD: prior to June 1st, 2018), and was therefore a candidate for classification through an automated scoring system. Utilizing variant allele frequency, disease prevalence and penetrance estimates, and inheritance mode, an automated score was calculated to assess if this variant is too frequent to cause the disease. Based on the score and internal cut-off values, a variant classified as benign is not then subjected to further curation. The score for this variant resulted in a classification of benign for this disease.

Illumina Laboratory Services, Illumina
Classification: Benign for Noonan syndrome 1. Last evaluated: 2018-01-12. Review status: criteria provided, single submitter. Criteria: ICSL Variant Classification Criteria 13 December 2019. Collection method: clinical testing. Allele origin: germline.
Comment: the same text as in the submission from Illumina Laboratory Services, Illumina above.

Illumina Laboratory Services, Illumina
Classification: Benign for LEOPARD syndrome 1. Last evaluated: 2018-01-12. Review status: criteria provided, single submitter. Criteria: ICSL Variant Classification Criteria 13 December 2019. Collection method: clinical testing. Allele origin: germline.
Comment: the same text as in the submission from Illumina Laboratory Services, Illumina above.